The following is an entry in ClinVar:

ClinVar aggregate classification (germline): Uncertain significance (1 of 4 stars; one submission).

Submission:

Ambry Genetics
Classification: Uncertain significance. Last evaluated: 2024-12-07. Review status: criteria provided, single submitter. Criteria: Ambry Variant Classification Scheme 2023. Collection method: clinical testing. Allele origin: germline.
Comment: The p.A125G variant (also known as c.374C>G), located in coding exon 3 of the CTNNA3 gene, results from a C to G substitution at nucleotide position 374. The alanine at codon 125 is replaced by glycine, an amino acid with similar properties. This amino acid position is conserved. In addition, the in silico prediction for this alteration is inconclusive. Based on the available evidence, the clinical significance of this variant remains unclear.

NM_013266.4(CTNNA3):c.374C>G (p.Ala125Gly)

Gene: CTNNA3 (catenin alpha 3; minus strand). Cytogenetic location: 10q21.3.
Variant type: single nucleotide variant.
Coding change: c.374C>G on transcript NM_013266.4 (MANE Select); coding-DNA position 374, C replaced by G.
Protein change: p.Ala125Gly; replaces alanine 125 with glycine.
Molecular consequence: missense variant.
Genome position (GRCh38, 1-based): chr10:67,539,588, G>C on the plus strand (C>G on the coding strand, the complement: CTNNA3 is on the minus strand). VCF-style: chr10-67539588-G-C. GRCh37 (hg19) VCF-style: chr10-69299346-G-C.
Other names: c.374C>G, p.Ala125Gly (NM_001127384.3); c.410C>G, p.Ala137Gly (NM_001291133.2); short protein forms A137G, A125G.
Identifiers: ClinVar variation 3498327 (VCV003498327.1).